The following is an entry in ClinVar:

ClinVar aggregate classification (germline): Likely pathogenic (1 of 4 stars; one submission).

Conditions:
Episodic ataxia type 2 (EA2). Also called: CEREBELLAR ATAXIA, PAROXYSMAL, ACETAZOLAMIDE-RESPONSIVE; CEREBELLOPATHY, HEREDITARY PAROXYSMAL; EPISODIC ATAXIA, NYSTAGMUS-ASSOCIATED; ACETAZOLAMIDE-RESPONSIVE HEREDITARY PAROXYSMAL CEREBELLAR ATAXIA; ATAXIA, EPISODIC, WITH NYSTAGMUS; ATAXIA, FAMILIAL PAROXYSMAL. Identifiers: Orphanet 97, MedGen C1720416, MONDO:0007163, OMIM 108500.
Developmental and epileptic encephalopathy, 42 (DEE42A). Also called: Epileptic encephalopathy, early infantile, 42; DEVELOPMENTAL AND EPILEPTIC ENCEPHALOPATHY 42A; EPILEPTIC ENCEPHALOPATHY, EARLY INFANTILE, 42A. Identifiers: MedGen C4310716, MONDO:0014917, OMIM 617106.

Submission:

Labcorp Genetics (formerly Invitae), Labcorp
Classification: Likely pathogenic for Developmental and epileptic encephalopathy, 42; Episodic ataxia type 2. Last evaluated: 2025-06-23. Review status: criteria provided, single submitter. Criteria: Invitae Variant Classification Sherloc (09022015). Collection method: clinical testing. Allele origin: germline.
Comment: This sequence change replaces phenylalanine, which is neutral and non-polar, with serine, which is neutral and polar, at codon 157 of the CACNA1A protein (p.Phe157Ser). This variant is not present in population databases (gnomAD no frequency). This missense change has been observed in individual(s) with CACNA1A-related conditions (internal data). It has also been observed to segregate with disease in related individuals. ClinVar contains an entry for this variant (Variation ID: 2944761). Invitae Evidence Modeling of protein sequence and biophysical properties (such as structural, functional, and spatial information, amino acid conservation, physicochemical variation, residue mobility, and thermodynamic stability) indicates that this missense variant is expected to disrupt CACNA1A protein function with a positive predictive value of 95%. In summary, the currently available evidence indicates that the variant is pathogenic, but additional data are needed to prove that conclusively. Therefore, this variant has been classified as Likely Pathogenic.

NM_001127222.2(CACNA1A):c.470T>C (p.Phe157Ser)

Gene: CACNA1A (calcium voltage-gated channel subunit alpha1 A; minus strand). Cytogenetic location: 19p13.13.
Variant type: single nucleotide variant.
Coding change: c.470T>C on transcript NM_001127222.2 (MANE Select); coding-DNA position 470, T replaced by C.
Protein change: p.Phe157Ser; replaces phenylalanine 157 with serine.
Molecular consequence: missense variant.
Genome position (GRCh38, 1-based): chr19:13,452,945, A>G on the plus strand (T>C on the coding strand, the complement: CACNA1A is on the minus strand). VCF-style: chr19-13452945-A-G. GRCh37 (hg19) VCF-style: chr19-13563759-A-G.
Other names: c.470T>C, p.Phe157Ser (NM_000068.4, NM_001127221.2, NM_001174080.2 and 1 more transcripts); short protein forms F157S.
Identifiers: ClinVar variation 2944761 (VCV002944761.3), dbSNP rs2513503702, ClinGen allele CA404967561.